The following is an entry in ClinVar:

NM_004606.5(TAF1):c.1447G>A (p.Asp483Asn)

Gene: TAF1 (TATA-box binding protein associated factor 1; plus strand). Cytogenetic location: Xq13.1.
Variant type: single nucleotide variant.
Coding change: c.1447G>A on transcript NM_004606.5 (MANE Select); coding-DNA position 1447, G replaced by A.
Protein change: p.Asp483Asn; replaces aspartic acid 483 with asparagine.
Molecular consequence: missense variant. On other transcripts: non-coding transcript variant (9).
Genome position (GRCh38, 1-based): chrX:71,381,829, G>A. VCF-style: chrX-71381829-G-A. GRCh37 (hg19) VCF-style: chrX-70601679-G-A.
Other names: c.1447G>A, p.Asp483Asn (NM_001286074.2); c.1384G>A, p.Asp462Asn (NM_138923.4); short protein forms D462N, D483N.
Identifiers: ClinVar variation 3689915 (VCV003689915.2).
Genomic context (GRCh38, chrX:71,381,829, plus strand): 5'-AAACCTTGGTACTCCATTTTTCCCATTGACAATGAGGATCTGGTATATGGACGCTGGGAG[G>A]ACAATATCATTTGGGATGCTCAGGCCATGCCCCGGCTGTTGGAACCTCCTGTTTTGACAC-3'
Protein context (NP_004597.3, residues 473-493): NEDLVYGRWE[Asp483Asn]NIIWDAQAMP

ClinVar aggregate classification (germline): Uncertain significance (1 of 4 stars; one submission).

Submission:

Labcorp Genetics (formerly Invitae), Labcorp
Classification: Uncertain significance. Last evaluated: 2024-07-30. Review status: criteria provided, single submitter. Criteria: Invitae Variant Classification Sherloc (09022015). Collection method: clinical testing. Allele origin: germline.
Comment: This sequence change replaces aspartic acid, which is acidic and polar, with asparagine, which is neutral and polar, at codon 503 of the TAF1 protein (p.Asp503Asn). This variant is not present in population databases (gnomAD no frequency). This variant has not been reported in the literature in individuals affected with TAF1-related conditions. An algorithm developed to predict the effect of missense changes on protein structure and function (PolyPhen-2) suggests that this variant is likely to be disruptive. In summary, the available evidence is currently insufficient to determine the role of this variant in disease. Therefore, it has been classified as a Variant of Uncertain Significance.